The following is an entry in ClinVar:

ClinVar aggregate classification (germline): Uncertain significance (1 of 4 stars; one submission).

Conditions:
Telangiectasia, hereditary hemorrhagic, type 2 (HHT2). Also called: ACVRL1-Related Hereditary Hemorrhagic Telangiectasia; Telangiectasia, hereditary hemorrhagic, type II. Identifiers: Orphanet 774, MedGen C1838163, MONDO:0010880, OMIM 600376. Disease mechanism: loss of function.

Submission:

Labcorp Genetics (formerly Invitae), Labcorp
Classification: Uncertain significance for Telangiectasia, hereditary hemorrhagic, type 2. Last evaluated: 2023-06-19. Review status: criteria provided, single submitter. Criteria: Invitae Variant Classification Sherloc (09022015). Collection method: clinical testing. Allele origin: germline.
Comment: This sequence change falls in intron 5 of the ACVRL1 gene. It does not directly change the encoded amino acid sequence of the ACVRL1 protein. It affects a nucleotide within the consensus splice site. In summary, the available evidence is currently insufficient to determine the role of this variant in disease. Therefore, it has been classified as a Variant of Uncertain Significance. Variants that disrupt the consensus splice site are a relatively common cause of aberrant splicing (PMID: 17576681, 9536098). Algorithms developed to predict the effect of sequence changes on RNA splicing suggest that this variant may disrupt the consensus splice site. This variant has been observed in individual(s) with clinical features of hereditary hemorrhagic telangiectasia (Invitae). This variant is not present in population databases (gnomAD no frequency).

Literature cited by the submitters: PubMed 17576681; PubMed 9536098.

NM_000020.3(ACVRL1):c.625+3G>C

Gene: ACVRL1 (activin A receptor like type 1; plus strand). Cytogenetic location: 12q13.13.
Variant type: single nucleotide variant.
Coding change: c.625+3G>C on transcript NM_000020.3 (MANE Select); 3 bases into the intron after coding-DNA position 625, G replaced by C.
Molecular consequence: intron variant.
Genome position (GRCh38, 1-based): chr12:51,914,076, G>C. VCF-style: chr12-51914076-G-C. GRCh37 (hg19) VCF-style: chr12-52307860-G-C.
Other names: c.625+3G>C (NM_001406487.1, NM_001406488.1, NM_001077401.2 and 1 more transcripts); c.314-363G>C (NM_001406491.1, NM_001406490.1, NM_001406492.1 and 2 more transcripts); c.62-363G>C (NM_001406495.1).
Identifiers: ClinVar variation 2719281 (VCV002719281.3), dbSNP rs2540161738, ClinGen allele CA2697559269.